The following is an entry in ClinVar:

NC_012920.1(MT-CO1):m.6681T>C

Gene: MT-CO1 (mitochondrially encoded cytochrome c oxidase I; plus strand).
Variant type: single nucleotide variant.
Genome position: chrM-6681-T-C.
Identifiers: ClinVar variation 692665 (VCV000692665.1), dbSNP rs879180101, ClinGen allele CA337097479.
Genomic context (GRCh38, chrMT:6,681, plus strand): 5'-CACCCTGAAGTTTATATTCTTATCCTACCAGGCTTCGGAATAATCTCCCATATTGTAACT[T>C]ACTACTCCGGAAAAAAAGAACCATTTGGATACATAGGTATGGTCTGAGCTATGATATCAA-3'

ClinVar aggregate classification (germline): Likely benign (1 of 4 stars; one submission).

Conditions:
Leigh syndrome (NULS). Also called: Leigh's necrotizing encephalopathy; Leigh's disease; Leigh Syndrome (mtDNA deletion); Leigh Disease; Subacute necrotizing encephalopathy; Necrotizing encephalopathy infantile subacute of Leigh. Identifiers: Orphanet 506, MedGen C2931891, MONDO:0009723, OMIM 256000.

Submission:

Wong Mito Lab, Molecular and Human Genetics, Baylor College of Medicine
Classification: Likely benign for Leigh syndrome. Last evaluated: 2019-10-17. Review status: criteria provided, single submitter. Criteria: Modified ACMG Guidelines (Unpublished). Collection method: clinical testing. Allele origin: germline.
Comment: The NC_012920.1:m.6681T>C (YP_003024028.1:p.Tyr260His) variant in MTCO1 gene is interpretated to be a Likely Benign variant based on the modified ACMG guidelines (unpublished). This variant meets the following evidence codes: BS1, BP4